The following is an entry in ClinVar:

NM_013432.5(TONSL):c.529C>T (p.Gln177Ter)

Gene: TONSL (tonsoku like, DNA repair protein; minus strand). Cytogenetic location: 8q24.3.
Variant type: single nucleotide variant.
Coding change: c.529C>T on transcript NM_013432.5 (MANE Select); coding-DNA position 529, C replaced by T.
Protein change: p.Gln177Ter; replaces glutamine 177 with a stop codon.
Molecular consequence: nonsense.
Genome position (GRCh38, 1-based): chr8:144,442,726, G>A on the plus strand (C>T on the coding strand, the complement: TONSL is on the minus strand). VCF-style: chr8-144442726-G-A. GRCh37 (hg19) VCF-style: chr8-145668109-G-A.
Other names: c.529C>T (NM_013432.4); short protein forms Q177*.
Identifiers: ClinVar variation 2115747 (VCV002115747.5), dbSNP rs2537508009, ClinGen allele CA372677444.

ClinVar aggregate classification (germline): Pathogenic/Likely pathogenic. Review status: criteria provided, multiple submitters, no conflicts (2 of 4 stars). 2 submissions from 2 submitters: Pathogenic (1); Likely pathogenic (1). Last evaluated 2023-04-02.

Conditions:
TONSL-related disorder. Also called: TONSL-related condition.

Submissions (2):

PreventionGenetics, part of Exact Sciences
Classification: Likely pathogenic for TONSL-related condition. Last evaluated: 2023-04-02. Review status: criteria provided, single submitter. Criteria: ACMG Guidelines, 2015. Collection method: clinical testing. Allele origin: germline.
Comment: The TONSL c.529C>T variant is predicted to result in premature protein termination (p.Gln177*). To our knowledge, this variant has not been reported in the literature or in a large population database, indicating this variant is rare. Nonsense variants in TONSL are expected to be pathogenic. This variant is interpreted as likely pathogenic.

Labcorp Genetics (formerly Invitae), Labcorp
Classification: Pathogenic. Last evaluated: 2022-03-22. Review status: criteria provided, single submitter. Criteria: Invitae Variant Classification Sherloc (09022015). Collection method: clinical testing. Allele origin: germline.
Comment: For these reasons, this variant has been classified as Pathogenic. This variant has not been reported in the literature in individuals affected with TONSL-related conditions. This variant is not present in population databases (gnomAD no frequency). This sequence change creates a premature translational stop signal (p.Gln177*) in the TONSL gene. It is expected to result in an absent or disrupted protein product. Loss-of-function variants in TONSL are known to be pathogenic (PMID: 30773277).

Literature cited by the submitters: PubMed 30773277 (cited by Labcorp Genetics (formerly Invitae), Labcorp).